The following is an entry in ClinVar:

ClinVar aggregate classification (germline): Uncertain significance (1 of 4 stars; one submission).

Submission:

GeneDx
Classification: Uncertain significance. Last evaluated: 2024-04-09. Review status: criteria provided, single submitter. Criteria: GeneDx Variant Classification Process June 2021. Collection method: clinical testing. Allele origin: germline. Affected: yes.
Comment: Not observed at significant frequency in large population cohorts (gnomAD); In silico analysis supports a deleterious effect on splicing; Has not been previously published as pathogenic or benign to our knowledge

NM_005052.3(RAC3):c.288G>A (p.Lys96=)

Gene: RAC3 (Rac family small GTPase 3; plus strand). Cytogenetic location: 17q25.3.
Variant type: single nucleotide variant.
Coding change: c.288G>A on transcript NM_005052.3 (MANE Select); coding-DNA position 288, G replaced by A.
Protein change: p.Lys96=; no amino-acid change (lysine 96 retained).
Molecular consequence: synonymous variant.
Genome position (GRCh38, 1-based): chr17:82,033,009, G>A. VCF-style: chr17-82033009-G-A. GRCh37 (hg19) VCF-style: chr17-79990885-G-A.
Other names: c.288G>A, p.Lys96= (NM_001316307.2).
Identifiers: ClinVar variation 3372318 (VCV003372318.1).